The following is an entry in ClinVar:

ClinVar aggregate classification (germline): Pathogenic (1 of 4 stars; one submission).

Conditions:
Glycogen storage disease IV, classic hepatic. Also called: GSD IV, CLASSIC HEPATIC. Identifiers: MedGen C1856301.
Glycogen storage disease, type IV (GSD4). Also called: Glycogen storage disease due to glycogen branching enzyme deficiency; AMYLOPECTINOSIS; ANDERSEN DISEASE; BRANCHER DEFICIENCY; CIRRHOSIS, FAMILIAL, WITH DEPOSITION OF ABNORMAL GLYCOGEN; GBE1 DEFICIENCY. Identifiers: Orphanet 367, MedGen C0017923, MONDO:0009292, OMIM 232500.

Submission:

Labcorp Genetics (formerly Invitae), Labcorp
Classification: Pathogenic for Glycogen storage disease, type IV; Glycogen storage disease IV, classic hepatic. Last evaluated: 2021-12-03. Review status: criteria provided, single submitter. Criteria: Invitae Variant Classification Sherloc (09022015). Collection method: clinical testing. Allele origin: germline.
Comment: For these reasons, this variant has been classified as Pathogenic. This variant has not been reported in the literature in individuals affected with GBE1-related conditions. This variant is a gross deletion of the genomic region encompassing exon(s) 6 of the GBE1 gene. This deletion is out-of-frame, and is expected to create a premature termination codon and result in an absent or disrupted protein product. Loss-of-function variants in GBE1 are known to be pathogenic (PMID: 15452297, 20058079).

Literature cited by the submitters: PubMed 15452297; PubMed 20058079.

NC_000003.11:g.(?_81695533)_(81695643_?)del

Gene: GBE1 (1,4-alpha-glucan branching enzyme 1; minus strand). Cytogenetic location: 3p12.2.
Variant type: Deletion.
Identifiers: ClinVar variation 1459653 (VCV001459653.4).